The following is an entry in ClinVar:

NM_000128.4(F11):c.55+6T>C

Gene: F11 (coagulation factor XI; plus strand). Cytogenetic location: 4q35.2.
Variant type: single nucleotide variant.
Coding change: c.55+6T>C on transcript NM_000128.4 (MANE Select); 6 bases into the intron after coding-DNA position 55, T replaced by C.
Molecular consequence: intron variant.
Genome position (GRCh38, 1-based): chr4:186,267,197, T>C. VCF-style: chr4-186267197-T-C. GRCh37 (hg19) VCF-style: chr4-187188351-T-C.
Other names: c.55+6T>C (NM_001440606.1, NM_001440608.1, NM_001354804.2 and 5 more transcripts).
Identifiers: ClinVar variation 4857326 (VCV004857326.1).

ClinVar aggregate classification (germline): Likely pathogenic (1 of 4 stars; one submission).

Conditions:
Factor XI deficiency. Identifiers: MedGen C4321502, MONDO:0020587.

Submission:

North West Genomic Laboratory Hub, Manchester University NHS Foundation Trust
Classification: Likely pathogenic for Factor XI deficiency. Last evaluated: 2025-04-03. Review status: criteria provided, single submitter. Criteria: ACGS Best Practice Guidelines for Variant Classification in Rare Disease 2024. Collection method: clinical testing. Allele origin: germline. Affected: yes.
Comment: PM2_Mod PP3_Supp PM3_Supp PP4_Mod